The following is an entry in ClinVar:

ClinVar aggregate classification (germline): Uncertain significance (1 of 4 stars; one submission).

Allele frequency attached by ClinVar (database versions not stated): gnomAD exomes 0.00001 and 0.00004; ExAC 0.00005; gnomAD 0.00005 and 0.00006; TOPMed 0.00006; ESP Exome Variant Server 0.00016; 1000 Genomes Project 0.00020; 1000 Genomes Project 30x 0.00031.
gnomAD v4.1: 28 of 1,614,120 alleles (0.0017%); highest among the groups gnomAD compares: Admixed American, 0.01%; no homozygotes.

Submission:

Labcorp Genetics (formerly Invitae), Labcorp
Classification: Uncertain significance. Last evaluated: 2022-09-07. Review status: criteria provided, single submitter. Criteria: Invitae Variant Classification Sherloc (09022015). Collection method: clinical testing. Allele origin: germline.
Comment: In summary, the available evidence is currently insufficient to determine the role of this variant in disease. Therefore, it has been classified as a Variant of Uncertain Significance. Algorithms developed to predict the effect of sequence changes on RNA splicing suggest that this variant may create or strengthen a splice site. Algorithms developed to predict the effect of missense changes on protein structure and function are either unavailable or do not agree on the potential impact of this missense change (SIFT: "Deleterious"; PolyPhen-2: "Probably Damaging"; Align-GVGD: "Class C0"). ClinVar contains an entry for this variant (Variation ID: 1400296). This variant has not been reported in the literature in individuals affected with SPEG-related conditions. This variant is present in population databases (rs201670112, gnomAD 0.02%). This sequence change replaces arginine, which is basic and polar, with cysteine, which is neutral and slightly polar, at codon 1617 of the SPEG protein (p.Arg1617Cys).

NM_005876.5(SPEG):c.4849C>T (p.Arg1617Cys)

Gene: SPEG (striated muscle enriched protein kinase; plus strand). Cytogenetic location: 2q35.
Variant type: single nucleotide variant.
Coding change: c.4849C>T on transcript NM_005876.5 (MANE Select); coding-DNA position 4849, C replaced by T.
Protein change: p.Arg1617Cys; replaces arginine 1617 with cysteine.
Molecular consequence: missense variant.
Genome position (GRCh38, 1-based): chr2:219,477,927, C>T. VCF-style: chr2-219477927-C-T. GRCh37 (hg19) VCF-style: chr2-220342649-C-T.
Other names: short protein forms R1617C.
Identifiers: ClinVar variation 1400296 (VCV001400296.7), dbSNP rs201670112, ClinGen allele CA2126657.
Genomic context (GRCh38, chr2:219,477,927, plus strand): 5'-TGATGGCTGATCTCTGACCCCCTCCCTGTGTCAACCAGGGGTGCTTTCTCCTACTTGCGG[C>T]GCATAGTGGAGCGTAGCTCCGGCCTGGAGTTTGCGGCCAAGTTCATCCCCAGCCAGGCCA-3'
Protein context (NP_005867.3, residues 1607-1627): IGRGAFSYLR[Arg1617Cys]IVERSSGLEF